The following is an entry in ClinVar:

NM_002693.3(POLG):c.108C>G (p.Ser36Arg)

Genes: POLG (DNA polymerase gamma, catalytic subunit; minus strand), POLGARF (POLG alternative reading frame; minus strand). Cytogenetic location: 15q26.1.
Variant type: single nucleotide variant.
Coding change: c.108C>G on transcript NM_002693.3 (MANE Select); coding-DNA position 108, C replaced by G.
Protein change: p.Ser36Arg; replaces serine 36 with arginine.
Molecular consequence: missense variant.
Genome position (GRCh38, 1-based): chr15:89,333,647, G>C on the plus strand (C>G on the coding strand, the complement: POLG is on the minus strand). VCF-style: chr15-89333647-G-C. GRCh37 (hg19) VCF-style: chr15-89876878-G-C.
Other names: c.163C>G, p.Arg55Gly (NM_001430120.1); c.108C>G, p.Ser36Arg (NM_001126131.2); short protein forms R55G, S36R.
Identifiers: ClinVar variation 3667997 (VCV003667997.2).

ClinVar aggregate classification (germline): Uncertain significance (1 of 4 stars; one submission).

Conditions:
Progressive sclerosing poliodystrophy (MTDPS4A). Also called: ALPERS PROGRESSIVE INFANTILE POLIODYSTROPHY; NEURONAL DEGENERATION OF CHILDHOOD WITH LIVER DISEASE, PROGRESSIVE; Alpers Syndrome; ALPERS DIFFUSE DEGENERATION OF CEREBRAL GRAY MATTER WITH HEPATIC CIRRHOSIS; Alpers-Huttenlocher Syndrome; Mitochondrial DNA depletion syndrome 4A (Alpers type). Identifiers: Orphanet 726, MedGen C0205710, MONDO:0008758, OMIM 203700.

Submission:

Labcorp Genetics (formerly Invitae), Labcorp
Classification: Uncertain significance for Progressive sclerosing poliodystrophy. Last evaluated: 2024-12-17. Review status: criteria provided, single submitter. Criteria: Invitae Variant Classification Sherloc (09022015). Collection method: clinical testing. Allele origin: germline.
Comment: This sequence change replaces serine, which is neutral and polar, with arginine, which is basic and polar, at codon 36 of the POLG protein (p.Ser36Arg). This variant is not present in population databases (gnomAD no frequency). This variant has not been reported in the literature in individuals affected with POLG-related conditions. Invitae Evidence Modeling of protein sequence and biophysical properties (such as structural, functional, and spatial information, amino acid conservation, physicochemical variation, residue mobility, and thermodynamic stability) has been performed for this missense variant. However, the output from this modeling did not meet the statistical confidence thresholds required to predict the impact of this variant on POLG protein function. In summary, the available evidence is currently insufficient to determine the role of this variant in disease. Therefore, it has been classified as a Variant of Uncertain Significance.